The following is an entry in ClinVar:

NM_007317.3(KIF22):c.1064_1065del (p.Thr355fs)

Gene: KIF22 (kinesin family member 22; plus strand). Cytogenetic location: 16p11.2.
Variant type: Microsatellite.
Coding change: c.1064_1065del on transcript NM_007317.3 (MANE Select); coding-DNA positions 1064 to 1065, 2 bases deleted (CA; older notation c.1064_1065delCA).
Protein change: p.Thr355fs; shifts the reading frame from threonine 355.
Molecular consequence: frameshift variant.
Genome position (GRCh38, 1-based): chr16:29,799,701-29,799,702, CA deleted; deleting any 2 consecutive bases within chr16:29,799,698-29,799,702 gives the same sequence; the c. name uses the placement nearest the transcript's 3' end. VCF-style (leftmost placement, unchanged base first): chr16-29799697-GAC-G. GRCh37 (hg19) VCF-style: chr16-29811018-GAC-G.
Other names: c.860_861del, p.Thr287fs (NM_001256269.2, NM_001256270.1); short protein forms T355fs, T287fs.
Identifiers: ClinVar variation 1524200 (VCV001524200.6), dbSNP rs774034201, ClinGen allele CA7993158.

ClinVar aggregate classification (germline): Uncertain significance (1 of 4 stars; one submission).

Submission:

Labcorp Genetics (formerly Invitae), Labcorp
Classification: Uncertain significance. Last evaluated: 2024-02-24. Review status: criteria provided, single submitter. Criteria: Invitae Variant Classification Sherloc (09022015). Collection method: clinical testing. Allele origin: germline.
Comment: This sequence change creates a premature translational stop signal (p.Thr355Serfs*21) in the KIF22 gene. It is expected to result in an absent or disrupted protein product. However, the current clinical and genetic evidence is not sufficient to establish whether loss-of-function variants in KIF22 cause disease. This variant is not present in population databases (gnomAD no frequency). This variant has not been reported in the literature in individuals affected with KIF22-related conditions. In summary, the available evidence is currently insufficient to determine the role of this variant in disease. Therefore, it has been classified as a Variant of Uncertain Significance.